The following is an entry in ClinVar:

NM_006642.5(SDCCAG8):c.2035C>G (p.Gln679Glu)

Genes: AKT3 (AKT serine/threonine kinase 3; minus strand), SDCCAG8 (SHH signaling and ciliogenesis regulator SDCCAG8; plus strand). Cytogenetic location: 1q43.
Variant type: single nucleotide variant.
Coding change: c.2035C>G on transcript NM_006642.5 (MANE Select); coding-DNA position 2035, C replaced by G.
Protein change: p.Gln679Glu; replaces glutamine 679 with glutamic acid.
Molecular consequence: missense variant. On other transcripts: intron variant (1).
Genome position (GRCh38, 1-based): chr1:243,489,063, C>G. VCF-style: chr1-243489063-C-G. GRCh37 (hg19) VCF-style: chr1-243652365-C-G.
Other names: c.1132C>G, p.Gln378Glu (NM_001350246.2, NM_001350247.2, NM_001350251.2); c.2131C>G, p.Gln711Glu (NM_001350248.2); c.1741C>G, p.Gln581Glu (NM_001350249.2); c.*7-613G>C (NM_181690.2); short protein forms Q378E, Q581E, Q679E, Q711E.
Identifiers: ClinVar variation 3350072 (VCV003350072.1).

ClinVar aggregate classification (germline): Uncertain significance (0 of 4 stars; one submission).

Conditions:
SDCCAG8-related disorder. Also called: SDCCAG8-related condition; SDCCAG8-Related Disorders.

Submission:

PreventionGenetics, part of Exact Sciences
Classification: Uncertain significance for SDCCAG8-related condition. Last evaluated: 2024-02-06. Review status: no assertion criteria provided. Collection method: clinical testing. Allele origin: germline.
Comment: The SDCCAG8 c.2035C>G variant is predicted to result in the amino acid substitution p.Gln679Glu. To our knowledge, this variant has not been reported in the literature or in a large population database, indicating this variant is rare. At this time, the clinical significance of this variant is uncertain due to the absence of conclusive functional and genetic evidence.